The following is an entry in ClinVar:

ClinVar aggregate classification (germline): Uncertain significance (1 of 4 stars; one submission).

Conditions:
Periodic fever-infantile enterocolitis-autoinflammatory syndrome. Also called: Autoinflammation with infantile enterocolitis. Identifiers: Orphanet 436166, MedGen C4015067, MONDO:0014472, OMIM 616050.
Familial cold autoinflammatory syndrome 4 (FCAS4). Identifiers: Orphanet 47045, Orphanet 576349, MedGen C4015276, MONDO:0014498, OMIM 616115.

Allele frequency attached by ClinVar (database versions not stated): ExAC 0.00001.

Submission:

Labcorp Genetics (formerly Invitae), Labcorp
Classification: Uncertain significance for Periodic fever-infantile enterocolitis-autoinflammatory syndrome; Familial cold autoinflammatory syndrome 4. Last evaluated: 2023-02-08. Review status: criteria provided, single submitter. Criteria: Invitae Variant Classification Sherloc (09022015). Collection method: clinical testing. Allele origin: germline.
Comment: This variant has not been reported in the literature in individuals affected with NLRC4-related conditions. This sequence change replaces glycine, which is neutral and non-polar, with aspartic acid, which is acidic and polar, at codon 632 of the NLRC4 protein (p.Gly632Asp). This variant is present in population databases (rs749262817, gnomAD 0.0009%). Advanced modeling of protein sequence and biophysical properties (such as structural, functional, and spatial information, amino acid conservation, physicochemical variation, residue mobility, and thermodynamic stability) performed at Invitae indicates that this missense variant is not expected to disrupt NLRC4 protein function. In summary, the available evidence is currently insufficient to determine the role of this variant in disease. Therefore, it has been classified as a Variant of Uncertain Significance.

NM_001199138.2(NLRC4):c.1895G>A (p.Gly632Asp)

Gene: NLRC4 (NLR family CARD domain containing 4; minus strand). Cytogenetic location: 2p22.3.
Variant type: single nucleotide variant.
Coding change: c.1895G>A on transcript NM_001199138.2 (MANE Select); coding-DNA position 1895, G replaced by A.
Protein change: p.Gly632Asp; replaces glycine 632 with aspartic acid.
Molecular consequence: missense variant. On other transcripts: intron variant (1).
Genome position (GRCh38, 1-based): chr2:32,249,969, C>T on the plus strand (G>A on the coding strand, the complement: NLRC4 is on the minus strand). VCF-style: chr2-32249969-C-T. GRCh37 (hg19) VCF-style: chr2-32475038-C-T.
Other names: c.1895G>A, p.Gly632Asp (NM_001199139.2, NM_021209.5); c.262+2450G>A (NM_001302504.1); short protein forms G632D.
Identifiers: ClinVar variation 2944060 (VCV002944060.3), dbSNP rs749262817, ClinGen allele CA1601905.